The following is an entry in ClinVar:

ClinVar aggregate classification (germline): Pathogenic (1 of 4 stars; one submission).

Submission:

GeneDx
Classification: Pathogenic. Last evaluated: 2014-10-14. Review status: criteria provided, single submitter. Criteria: GeneDx Variant Classification (06012015). Collection method: clinical testing. Allele origin: germline. Affected: yes.
Comment: p.Pro80Leu (CCC>CTC): c.239 C>T in exon 8 of the TNNT2 gene (NM_001001430.1). While the P80L mutation in the TNNT2 gene has not been reported to our knowledge, a mutation affecting this same residue, (P80S), has been reported in association with HCM and left ventricular noncompaction (LVNC) (Otsuka H et al., 2012). Additionally, mutations in nearby residues (P77L, I79N, I79T, E83K, E83D) have been reported in association with cardiomyopathy, supporting the functional importance of this region of the protein. P80L results in a a semi-conservative amino acid substitution, which may impact secondary protein structure as these residues differ in some properties. This substitution occurs at a position that is highly conserved across species. In silico analysis predicts P80L is damaging to the protein structure/function. Furthermore, P80L was not observed in approximately 6,500 individuals of European and African American ancestry in the NHLBI Exome Sequencing Project, indicating it is not a common benign variant in these populations. In summary, P80L in the TNNT2 gene is interpreted as a likely disease-causing mutation. The variant is found in HCM panel(s).

NM_001276345.2(TNNT2):c.269C>T (p.Pro90Leu)

Gene: TNNT2 (troponin T2, cardiac type; minus strand). Cytogenetic location: 1q32.1.
Variant type: single nucleotide variant.
Coding change: c.269C>T on transcript NM_001276345.2 (MANE Select); coding-DNA position 269, C replaced by T.
Protein change: p.Pro90Leu; replaces proline 90 with leucine.
Molecular consequence: missense variant.
Genome position (GRCh38, 1-based): chr1:201,365,635, G>A on the plus strand (C>T on the coding strand, the complement: TNNT2 is on the minus strand). VCF-style: chr1-201365635-G-A. GRCh37 (hg19) VCF-style: chr1-201334763-G-A.
Other names: p.P80L:CCC>CTC; c.269C>T, p.Pro90Leu (NM_000364.4); c.239C>T, p.Pro80Leu (NM_001001430.3, NM_001001431.3, NM_001276347.2); c.224C>T, p.Pro75Leu (NM_001001432.3); c.266C>T, p.Pro89Leu (NM_001276346.2); short protein forms P80L, P90L, P75L, P89L.
Identifiers: ClinVar variation 181641 (VCV000181641.2), dbSNP rs730881121, ClinGen allele CA004176.
Genomic context (GRCh38, chr1:201,365,635, plus strand): 5'-AGCCCAGGCCTACTCAACCCACAGCCACCGCTTACATCAAAGTCCACTCTCTCTCCATCG[G>A]GGATCTTGGGAGGCACCAAGTTGGGCATGAACGACCTGTTGGAGAGAGGAATAGTCAGCA-3'
Protein context (NP_001263274.1, residues 80-100): FMPNLVPPKI[Pro90Leu]DGERVDFDDI